The following is an entry in ClinVar:

ClinVar aggregate classification (germline): Uncertain significance (1 of 4 stars; one submission).

Conditions:
Cardiomyopathy (CMYO). Also called: Cardiomyopathies. Identifiers: Orphanet 167848, MedGen C0878544, MONDO:0004994, HP:0001638. Inheritance: Various modes of inheritance.

Submission:

All of Us Research Program, National Institutes of Health
Classification: Uncertain significance for Cardiomyopathy. Last evaluated: 2023-04-27. Review status: criteria provided, single submitter. Criteria: ACMG Guidelines, 2015. Collection method: clinical testing. Allele origin: germline. Inheritance: Autosomal dominant inheritance. Observed: 1 variant allele, 1 heterozygote.
Comment: This study involves interpretation of variants in research participants for the purpose of population health screening. Participant phenotype was not available at the time of variant classification. Additional details can be found in publication PMID: 35346344, PMCID: PMC8962531

NM_000257.4(MYH7):c.3533T>G (p.Leu1178Arg)

Gene: MYH7 (myosin heavy chain 7; minus strand). Cytogenetic location: 14q11.2.
Variant type: single nucleotide variant.
Coding change: c.3533T>G on transcript NM_000257.4 (MANE Select); coding-DNA position 3533, T replaced by G.
Protein change: p.Leu1178Arg; replaces leucine 1178 with arginine.
Molecular consequence: missense variant.
Genome position (GRCh38, 1-based): chr14:23,420,038, A>C on the plus strand (T>G on the coding strand, the complement: MYH7 is on the minus strand). VCF-style: chr14-23420038-A-C. GRCh37 (hg19) VCF-style: chr14-23889247-A-C.
Other names: c.3533T>G, p.Leu1178Arg (NM_001407004.1); short protein forms L1178R.
Identifiers: ClinVar variation 3070031 (VCV003070031.1), dbSNP rs2502264535, ClinGen allele CA389043567.
Genomic context (GRCh38, chr14:23,420,038, plus strand): 5'-TCGGCGTGCTTCTTGCGCAGGGCCGCGGCAGTGGCCTCGTGCTGCAGCGTGGCCTCCTCC[A>C]GGTCCCGCCGCATCTTCTGGAACTCGGCCTCGCGCTTCTTGTTCATCTCGATCTGCACGG-3'
Protein context (NP_000248.2, residues 1168-1188): EAEFQKMRRD[Leu1178Arg]EEATLQHEAT